The following is an entry in ClinVar:

ClinVar aggregate classification (germline): Uncertain significance (1 of 4 stars; one submission).

Conditions:
Shprintzen-Goldberg syndrome (SGS). Also called: SHPRINTZEN-GOLDBERG CRANIOSYNOSTOSIS SYNDROME; CRANIOSYNOSTOSIS WITH ARACHNODACTYLY AND ABDOMINAL HERNIAS; Marfanoid disorder with craniosynostosis type 1; Marfanoid craniosynostosis syndrome; Shprintzen-Goldberg marfanoid syndrome. Identifiers: Orphanet 2462, MedGen C1321551, MONDO:0008426, OMIM 182212.

Allele frequency attached by ClinVar (database versions not stated): gnomAD exomes below 0.00001 and 0.00001; ExAC 0.00003.

Submission:

Labcorp Genetics (formerly Invitae), Labcorp
Classification: Uncertain significance for Shprintzen-Goldberg syndrome. Last evaluated: 2021-06-19. Review status: criteria provided, single submitter. Criteria: Invitae Variant Classification Sherloc (09022015). Collection method: clinical testing. Allele origin: germline.
Comment: Advanced modeling of protein sequence and biophysical properties (such as structural, functional, and spatial information, amino acid conservation, physicochemical variation, residue mobility, and thermodynamic stability) performed at Invitae indicates that this missense variant is not expected to disrupt SKI protein function. In summary, the available evidence is currently insufficient to determine the role of this variant in disease. Therefore, it has been classified as a Variant of Uncertain Significance. This sequence change replaces lysine with glutamic acid at codon 599 of the SKI protein (p.Lys599Glu). The lysine residue is moderately conserved and there is a small physicochemical difference between lysine and glutamic acid. This variant is present in population databases (rs761706108, ExAC 0.01%). This variant has not been reported in the literature in individuals with SKI-related conditions.

NM_003036.4(SKI):c.1795A>G (p.Lys599Glu)

Gene: SKI (SKI proto-oncogene; plus strand). Cytogenetic location: 1p36.32.
Variant type: single nucleotide variant.
Coding change: c.1795A>G on transcript NM_003036.4 (MANE Select); coding-DNA position 1795, A replaced by G.
Protein change: p.Lys599Glu; replaces lysine 599 with glutamic acid.
Molecular consequence: missense variant.
Genome position (GRCh38, 1-based): chr1:2,306,047, A>G. VCF-style: chr1-2306047-A-G. GRCh37 (hg19) VCF-style: chr1-2237486-A-G.
Other names: short protein forms K599E.
Identifiers: ClinVar variation 1401992 (VCV001401992.8), dbSNP rs761706108, ClinGen allele CA536811.